The following is an entry in ClinVar:

NM_024753.5(TTC21B):c.3G>A (p.Met1Ile)

Gene: TTC21B (tetratricopeptide repeat domain 21B; minus strand). Cytogenetic location: 2q24.3.
Variant type: single nucleotide variant.
Coding change: c.3G>A on transcript NM_024753.5 (MANE Select); coding-DNA position 3, G replaced by A.
Protein change: p.Met1Ile; changes the start codon (methionine 1).
Molecular consequence: missense variant, initiator codon variant.
Genome position (GRCh38, 1-based): chr2:165,953,703, C>T on the plus strand (G>A on the coding strand, the complement: TTC21B is on the minus strand). VCF-style: chr2-165953703-C-T. GRCh37 (hg19) VCF-style: chr2-166810213-C-T.
Other names: short protein forms M1I.
Identifiers: ClinVar variation 2631532 (VCV002631532.3), dbSNP rs2468262538, ClinGen allele CA349057228.

ClinVar aggregate classification (germline): Uncertain significance (0 of 4 stars; one submission).

Conditions:
TTC21B-related disorder. Also called: TTC21B-related condition; TTC21B-related disorders.

Submission:

PreventionGenetics, part of Exact Sciences
Classification: Uncertain significance for TTC21B-related condition. Last evaluated: 2024-02-19. Review status: no assertion criteria provided. Collection method: clinical testing. Allele origin: germline.
Comment: The TTC21B c.3G>A variant is predicted to disrupt the translation initiation site (Start Loss). To our knowledge, this variant has not been reported in the literature or in a large population database, indicating this variant is rare. No other start loss variants in TTC21B have been reported in the literature, although one start loss variant (c.1A>G) was reported in ClinVar as a variant of uncertain significance. At this time, the clinical significance of this variant is uncertain due to the absence of conclusive functional and genetic evidence.